The following is an entry in ClinVar:

ClinVar aggregate classification (germline): Uncertain significance. Review status: criteria provided, multiple submitters, no conflicts (2 of 4 stars). 2 submissions from 2 submitters: Uncertain significance (2). Last evaluated 2024-10-15.

Conditions:
Familial hemophagocytic lymphohistiocytosis 3 (FHL3). Also called: UNC13D-Related Familial Hemophagocytic Lymphohistiocytosis (UNC13D-fHLH). Identifiers: Orphanet 540, MedGen C1837174, MONDO:0012146, OMIM 608898.

Allele frequency attached by ClinVar (database versions not stated): gnomAD 0.00001; TOPMed 0.00005; ExAC 0.00014; gnomAD exomes 0.00019.

Submissions (2):

Labcorp Genetics (formerly Invitae), Labcorp
Classification: Uncertain significance for Familial hemophagocytic lymphohistiocytosis 3. Last evaluated: 2024-10-15. Review status: criteria provided, single submitter. Criteria: Invitae Variant Classification Sherloc (09022015). Collection method: clinical testing. Allele origin: germline.
Comment: This sequence change replaces leucine, which is neutral and non-polar, with proline, which is neutral and non-polar, at codon 932 of the UNC13D protein (p.Leu932Pro). This variant is present in population databases (rs760552006, gnomAD 0.1%). This variant has not been reported in the literature in individuals affected with UNC13D-related conditions. ClinVar contains an entry for this variant (Variation ID: 464456). Invitae Evidence Modeling of protein sequence and biophysical properties (such as structural, functional, and spatial information, amino acid conservation, physicochemical variation, residue mobility, and thermodynamic stability) indicates that this missense variant is expected to disrupt UNC13D protein function with a positive predictive value of 80%. In summary, the available evidence is currently insufficient to determine the role of this variant in disease. Therefore, it has been classified as a Variant of Uncertain Significance.

Baylor Genetics
Classification: Uncertain significance for Familial hemophagocytic lymphohistiocytosis 3. Last evaluated: 2019-10-21. Review status: criteria provided, single submitter. Criteria: ACMG Guidelines, 2015. Collection method: clinical testing. Allele origin: unknown. Affected: yes.
Comment: This variant was determined to be of uncertain significance according to ACMG Guidelines, 2015 [PMID:25741868].

NM_199242.3(UNC13D):c.2795T>C (p.Leu932Pro)

Genes: UNC13D (unc-13 homolog D; minus strand), LOC112533672 (Sharpr-MPRA regulatory region 1193; plus strand). Cytogenetic location: 17q25.1.
Variant type: single nucleotide variant.
Coding change: c.2795T>C on transcript NM_199242.3 (MANE Select); coding-DNA position 2795, T replaced by C.
Protein change: p.Leu932Pro; replaces leucine 932 with proline.
Molecular consequence: missense variant.
Genome position (GRCh38, 1-based): chr17:75,830,397, A>G on the plus strand (T>C on the coding strand, the complement: UNC13D is on the minus strand). VCF-style: chr17-75830397-A-G. GRCh37 (hg19) VCF-style: chr17-73826478-A-G.
Other names: short protein forms L932P.
Identifiers: ClinVar variation 464456 (VCV000464456.8), dbSNP rs760552006, ClinGen allele CA8772391.
Genomic context (GRCh38, chr17:75,830,397, plus strand): 5'-GTGGCCAAAGGCAGCCTCCACTCACCATTGGAGTCCAGGGGCAGCAGGCTGGAGGCGCTG[A>G]GCAGCTCCACACGCAGCTTCTGCTCAGAGGCGCGGTAGGAGGCCTTGACTGTCACAGCCC-3'
Protein context (NP_954712.1, residues 922-942): ASEQKLRVEL[Leu932Pro]SASSLLPLDS